The following is an entry in ClinVar:

ClinVar aggregate classification (germline): Uncertain significance. Review status: criteria provided, multiple submitters, no conflicts (2 of 4 stars). 10 submissions from 10 submitters: Uncertain significance (10). Last evaluated 2026-08-18.

Conditions:
Endometrial carcinoma. Also called: Endometrial carcinoma, somatic. Identifiers: MedGen C0476089, MONDO:0002447, OMIM 608089, HP:0012114.
Familial adenomatous polyposis 4 (FAP4). Also called: MSH3-related attenuated familial adenomatous polyposis. Identifiers: Orphanet 480536, MedGen C4310719, MONDO:0044300, OMIM 617100.
Hereditary cancer-predisposing syndrome. Also called: Hereditary Cancer Syndrome; Neoplastic Syndromes, Hereditary; Tumor predisposition; Hereditary neoplastic syndrome. Identifiers: Orphanet 140162, MedGen C0027672, MeSH D009386, MONDO:0015356.
MSH3-related disorder. Also called: MSH3-related condition.

Allele frequency attached by ClinVar (database versions not stated): gnomAD 0.00003; gnomAD exomes 0.00003 and 0.00009; ExAC 0.00005; TOPMed 0.00010; 1000 Genomes Project 0.00020; 1000 Genomes Project 30x 0.00031.
gnomAD v4.1: 52 of 1,613,848 alleles (0.0032%); highest among the groups gnomAD compares: Admixed American, 0.045%; no homozygotes.

Submissions (10):

PreventionGenetics, part of Exact Sciences
Classification: Uncertain significance for MSH3-related condition. Last evaluated: 2026-08-18. Review status: criteria provided, single submitter. Criteria: ACMG Guidelines, 2015. Collection method: clinical testing. Allele origin: germline.
Comment: The MSH3 c.3166C>T variant is predicted to result in the amino acid substitution p.Leu1056Phe. To our knowledge, this variant has not been reported in the literature. This variant is reported in 0.051% of alleles in individuals of Latino descent in gnomAD and is interpreted as variant of uncertain significance in ClinVar (Variation ID: 640499). At this time, the clinical significance of this variant is uncertain due to the absence of conclusive functional and genetic evidence.

CeGaT Center for Human Genetics Tuebingen
Classification: Uncertain significance. Last evaluated: 2026-08-01. Review status: criteria provided, single submitter. Criteria: CeGaT Center For Human Genetics Tuebingen Variant Classification Criteria Version 2. Collection method: clinical testing. Allele origin: germline. Affected: yes. Observed: 1 variant allele.

Labcorp Genetics (formerly Invitae), Labcorp
Classification: Uncertain significance. Last evaluated: 2026-01-25. Review status: criteria provided, single submitter. Criteria: Invitae Variant Classification Sherloc (09022015). Collection method: clinical testing. Allele origin: germline.
Comment: This sequence change replaces leucine, which is neutral and non-polar, with phenylalanine, which is neutral and non-polar, at codon 1056 of the MSH3 protein (p.Leu1056Phe). This variant is present in population databases (rs188074706, gnomAD 0.05%). This variant has not been reported in the literature in individuals affected with MSH3-related conditions. ClinVar contains an entry for this variant (Variation ID: 640499). An algorithm developed to predict the effect of missense changes on protein structure and function (PolyPhen-2) suggests that this variant is likely to be disruptive. In summary, the available evidence is currently insufficient to determine the role of this variant in disease. Therefore, it has been classified as a Variant of Uncertain Significance.

Quest Diagnostics Nichols Institute San Juan Capistrano
Classification: Uncertain significance. Last evaluated: 2025-07-16. Review status: criteria provided, single submitter. Criteria: Quest Diagnostics criteria. Collection method: clinical testing. Allele origin: unknown.
Comment: The MSH3 c.3166C>T (p.Leu1056Phe) variant has not been reported in individuals with MSH3-related conditions in the published literature. The frequency of this variant in the general population (Genome Aggregation Database) is uninformative in the assessment of its pathogenicity. Analysis of this variant using bioinformatics tools for the prediction of the effect of amino acid changes on protein structure and function yielded predictions that this variant is damaging. Based on the available information, we are unable to determine the clinical significance of this variant.

Ambry Genetics
Classification: Uncertain significance for Hereditary cancer-predisposing syndrome. Last evaluated: 2025-02-19. Review status: criteria provided, single submitter. Criteria: Ambry Variant Classification Scheme 2023. Collection method: clinical testing. Allele origin: germline.
Comment: The p.L1056F variant (also known as c.3166C>T), located in coding exon 23 of the MSH3 gene, results from a C to T substitution at nucleotide position 3166. The leucine at codon 1056 is replaced by phenylalanine, an amino acid with highly similar properties. This amino acid position is highly conserved in available vertebrate species. In addition, this alteration is predicted to be deleterious by in silico analysis. Based on the available evidence, the clinical significance of this variant remains unclear.

Blueprint Genetics
Classification: Uncertain significance. Last evaluated: 2024-05-20. Review status: criteria provided, single submitter. Criteria: ACMG Guidelines, 2015. Collection method: clinical testing. Allele origin: germline.

Fulgent Genetics
Classification: Uncertain significance for Endometrial carcinoma; Familial adenomatous polyposis 4. Last evaluated: 2024-04-18. Review status: criteria provided, single submitter. Criteria: ACMG Guidelines, 2015. Collection method: clinical testing. Allele origin: germline.

GeneDx
Classification: Uncertain significance. Last evaluated: 2024-03-26. Review status: criteria provided, single submitter. Criteria: GeneDx Variant Classification Process June 2021. Collection method: clinical testing. Allele origin: germline. Affected: yes.
Comment: In silico analysis supports that this missense variant has a deleterious effect on protein structure/function; Has not been previously published as pathogenic or benign to our knowledge

Baylor Genetics
Classification: Uncertain significance for Endometrial carcinoma. Last evaluated: 2024-03-21. Review status: criteria provided, single submitter. Criteria: ACMG Guidelines, 2015. Collection method: clinical testing. Allele origin: unknown.

Sema4
Classification: Uncertain significance for Hereditary cancer-predisposing syndrome. Last evaluated: 2021-08-10. Review status: criteria provided, single submitter. Criteria: Sema4 Curation Guidelines. Collection method: curation. Allele origin: germline.
Comment: The MSH3 c.3166C>T (p.L1056F) variant has not been reported in the literature to our knowledge. It was observed in 18/35418 chromosomes of the Latino subpopulation in the large and broad cohorts of the Genome Aggregation Database (PMID: 32461654). The variant has been reported in ClinVar (Variation ID 640499). Functional studies have not been performed, and in silico predictions of the variant's effect on protein function are inconclusive. The evidence is insufficient to meet ACMG/AMP criteria for classifying the variant as benign or pathogenic. Thus, the clinical significance of this variant is currently uncertain.

NM_002439.5(MSH3):c.3166C>T (p.Leu1056Phe)

Gene: MSH3 (mutS homolog 3; plus strand). Cytogenetic location: 5q14.1.
Variant type: single nucleotide variant.
Coding change: c.3166C>T on transcript NM_002439.5 (MANE Select); coding-DNA position 3166, C replaced by T.
Protein change: p.Leu1056Phe; replaces leucine 1056 with phenylalanine.
Molecular consequence: missense variant.
Genome position (GRCh38, 1-based): chr5:80,873,151, C>T. VCF-style: chr5-80873151-C-T. GRCh37 (hg19) VCF-style: chr5-80168970-C-T.
Other names: short protein forms L1056F.
Identifiers: ClinVar variation 640499 (VCV000640499.28), dbSNP rs188074706, ClinGen allele CA3328473.